The following is an entry in ClinVar:

ClinVar aggregate classification (germline): Uncertain significance (1 of 4 stars; one submission).

Conditions:
Cardiovascular phenotype. Identifiers: MedGen CN230736.

gnomAD v4.1: 5 of 1,612,016 alleles (0.00031%); highest among the groups gnomAD compares: Non-Finnish European, 0.00042%; no homozygotes.

Submission:

Ambry Genetics
Classification: Uncertain significance for Cardiovascular phenotype. Last evaluated: 2026-04-23. Review status: criteria provided, single submitter. Criteria: Ambry Variant Classification Scheme 2023. Collection method: clinical testing. Allele origin: germline.
Comment: The p.V1529A variant (also known as c.4586T>C), located in coding exon 11 of the TNXB gene, results from a T to C substitution at nucleotide position 4586. The valine at codon 1529 is replaced by alanine, an amino acid with similar properties. This amino acid position is conserved. In addition, this alteration is predicted to be tolerated by in silico analysis. Based on the available evidence, the clinical significance of this variant remains unclear.

NM_001365276.2(TNXB):c.4586T>C (p.Val1529Ala)

Gene: TNXB (tenascin XB; minus strand). Cytogenetic location: 6p21.33.
Variant type: single nucleotide variant.
Coding change: c.4586T>C on transcript NM_001365276.2 (MANE Select); coding-DNA position 4586, T replaced by C.
Protein change: p.Val1529Ala; replaces valine 1529 with alanine.
Molecular consequence: missense variant.
Genome position (GRCh38, 1-based): chr6:32,073,742, A>G on the plus strand (T>C on the coding strand, the complement: TNXB is on the minus strand). VCF-style: chr6-32073742-A-G. GRCh37 (hg19) VCF-style: chr6-32041519-A-G.
Other names: c.5327T>C, p.Val1776Ala (NM_001428335.1); c.4586T>C, p.Val1529Ala (NM_019105.8); short protein forms V1529A, V1776A.
Identifiers: ClinVar variation 4865816 (VCV004865816.1).